The following is an entry in ClinVar:

ClinVar aggregate classification (germline): Uncertain significance (1 of 4 stars; one submission).

Conditions:
Camurati-Engelmann disease type 1. Also called: DIAPHYSEAL DYSPLASIA 1, PROGRESSIVE. Identifiers: MedGen CN379925, MONDO:0700385, OMIM 131300.
Inflammatory bowel disease, immunodeficiency, and encephalopathy. Identifiers: Orphanet 565788, MedGen C4748708, MONDO:0032601, OMIM 618213.
Cystic fibrosis (CF). Also called: MUCOVISCIDOSIS. Identifiers: Orphanet 586, MedGen C0010674, MONDO:0009061, OMIM 219700. Disease mechanism: loss of function.

Submission:

Juno Genomics, Hangzhou Juno Genomics, Inc
Classification: Uncertain significance for Cystic fibrosis; Camurati-Engelmann disease type 1; Inflammatory bowel disease, immunodeficiency, and encephalopathy. Review status: criteria provided, single submitter. Criteria: ACMG Guidelines, 2015. Collection method: clinical testing. Allele origin: germline.
Comment: Absent from controls (or at extremely low frequency if recessive) in Genome Aggregation Database.;Multiple lines of computational evidence support a deleterious effect on the gene or gene product.

NM_000660.7(TGFB1):c.1115G>T (p.Arg372Leu)

Gene: TGFB1 (transforming growth factor beta 1; minus strand). Cytogenetic location: 19q13.2.
Variant type: single nucleotide variant.
Coding change: c.1115G>T on transcript NM_000660.7 (MANE Select); coding-DNA position 1115, G replaced by T.
Protein change: p.Arg372Leu; replaces arginine 372 with leucine.
Molecular consequence: missense variant.
Genome position (GRCh38, 1-based): chr19:41,331,110, C>A on the plus strand (G>T on the coding strand, the complement: TGFB1 is on the minus strand). VCF-style: chr19-41331110-C-A. GRCh37 (hg19) VCF-style: chr19-41837015-C-A.
Other names: short protein forms R372L.
Identifiers: ClinVar variation 5005997 (VCV005005997.2).